The following is an entry in ClinVar:

ClinVar aggregate classification (germline): Pathogenic/Likely pathogenic. Review status: criteria provided, multiple submitters, no conflicts (2 of 4 stars). 5 submissions from 5 submitters: Pathogenic (3); Likely pathogenic (2). Last evaluated 2025-03-04.

Conditions:
Hereditary cancer-predisposing syndrome. Also called: Tumor predisposition; Hereditary Cancer Syndrome; Neoplastic Syndromes, Hereditary; Hereditary neoplastic syndrome. Identifiers: Orphanet 140162, MedGen C0027672, MeSH D009386, MONDO:0015356.
Familial cancer of breast. Also called: Hereditary breast cancer; hereditary breast carcinoma; BREAST CANCER, FAMILIAL. Identifiers: Orphanet 227535, MedGen C0346153, MONDO:0016419, OMIM 114480. Disease mechanism: loss of function.
Ataxia-telangiectasia syndrome (AT). Also called: Cerebello-oculocutaneous telangiectasia; Immunodeficiency with ataxia telangiectasia; Ataxia-telangiectasia, complementation group D; AT, COMPLEMENTATION GROUP C; Ataxia-telangiectasia, complementation group E; LOUIS-BAR SYNDROME. Identifiers: Orphanet 100, MedGen C0004135, MONDO:0008840, OMIM 208900.

Submissions (5):

Center for Genomic Medicine, Rigshospitalet, Copenhagen University Hospital
Classification: Likely pathogenic. Last evaluated: 2025-03-04. Review status: criteria provided, single submitter. Criteria: ACMG Guidelines, 2015. Collection method: clinical testing. Allele origin: germline.
Comment: Classification criteria: PVS1, PM2

Myriad Genetics, Inc.
Classification: Pathogenic for Familial cancer of breast. Last evaluated: 2024-01-16. Review status: criteria provided, single submitter. Criteria: Myriad Autosomal Dominant, Autosomal Recessive and X-Linked Classification Criteria (2023). Collection method: clinical testing. Allele origin: unknown.
Comment: This variant is considered pathogenic. This variant creates a termination codon and is predicted to result in premature protein truncation.

Labcorp Genetics (formerly Invitae), Labcorp
Classification: Pathogenic for Ataxia-telangiectasia syndrome. Last evaluated: 2023-02-27. Review status: criteria provided, single submitter. Criteria: Invitae Variant Classification Sherloc (09022015). Collection method: clinical testing. Allele origin: germline.
Comment: For these reasons, this variant has been classified as Pathogenic. ClinVar contains an entry for this variant (Variation ID: 450979). This variant has not been reported in the literature in individuals affected with ATM-related conditions. This variant is not present in population databases (gnomAD no frequency). This sequence change creates a premature translational stop signal (p.Lys422*) in the ATM gene. It is expected to result in an absent or disrupted protein product. Loss-of-function variants in ATM are known to be pathogenic (PMID: 23807571, 25614872).

Ambry Genetics
Classification: Pathogenic for Hereditary cancer-predisposing syndrome. Last evaluated: 2022-03-08. Review status: criteria provided, single submitter. Criteria: Ambry Variant Classification Scheme 2023. Collection method: clinical testing. Allele origin: germline.
Comment: The p.K422* pathogenic mutation (also known as c.1264A>T), located in coding exon 9 of the ATM gene, results from an A to T substitution at nucleotide position 1264. This changes the amino acid from a lysine to a stop codon within coding exon 9. This variant is considered to be rare based on population cohorts in the Genome Aggregation Database (gnomAD). This alteration is expected to result in loss of function by premature protein truncation or nonsense-mediated mRNA decay. As such, this alteration is interpreted as a disease-causing mutation.

GeneDx
Classification: Likely pathogenic. Last evaluated: 2017-07-27. Review status: criteria provided, single submitter. Criteria: GeneDx Variant Classification (06012015). Collection method: clinical testing. Allele origin: germline. Affected: yes.
Comment: This variant is denoted ATM c.1264A>T at the cDNA level and p.Lys422Ter (K422X) at the protein level.The substitution creates a nonsense variant, which changes a Lysine to a premature stop codon (AAG>TAG), and ispredicted to cause loss of normal protein function through either protein truncation or nonsense-mediated mRNA decay.Although this variant has not, to our knowledge, been reported in the literature, it is considered likely pathogenic

Literature cited by the submitters: PubMed 23807571 (cited by Labcorp Genetics (formerly Invitae), Labcorp); PubMed 25614872 (cited by Labcorp Genetics (formerly Invitae), Labcorp).

NM_000051.4(ATM):c.1264A>T (p.Lys422Ter)

Gene: ATM (ATM serine/threonine kinase; plus strand). Cytogenetic location: 11q22.3.
Variant type: single nucleotide variant.
Coding change: c.1264A>T on transcript NM_000051.4 (MANE Select); coding-DNA position 1264, A replaced by T.
Protein change: p.Lys422Ter; replaces lysine 422 with a stop codon.
Molecular consequence: nonsense.
Genome position (GRCh38, 1-based): chr11:108,250,729, A>T. VCF-style: chr11-108250729-A-T. GRCh37 (hg19) VCF-style: chr11-108121456-A-T.
Other names: c.1264A>T, p.Lys422Ter (NM_001351834.2); short protein forms K422*.
Identifiers: ClinVar variation 450979 (VCV000450979.9), dbSNP rs1555070678, ClinGen allele CA382533357.